The following is an entry in ClinVar:

ClinVar aggregate classification (germline): Uncertain significance (1 of 4 stars; one submission).

Allele frequency attached by ClinVar (database versions not stated): gnomAD exomes below 0.00001; ExAC 0.00001.
gnomAD v4.1: 7 of 1,611,052 alleles (0.00043%); highest among the groups gnomAD compares: East Asian, 0.0022%; no homozygotes.

Submission:

GeneDx
Classification: Uncertain significance. Last evaluated: 2023-03-27. Review status: criteria provided, single submitter. Criteria: GeneDx Variant Classification Process June 2021. Collection method: clinical testing. Allele origin: germline. Affected: yes.
Comment: Not observed at significant frequency in large population cohorts (gnomAD); In silico analysis supports that this missense variant has a deleterious effect on protein structure/function; Has not been previously published as pathogenic or benign to our knowledge

NM_015404.4(WHRN):c.683A>G (p.Tyr228Cys)

Gene: WHRN (whirlin; minus strand). Cytogenetic location: 9q32.
Variant type: single nucleotide variant.
Coding change: c.683A>G on transcript NM_015404.4 (MANE Select); coding-DNA position 683, A replaced by G.
Protein change: p.Tyr228Cys; replaces tyrosine 228 with cysteine.
Molecular consequence: missense variant. On other transcripts: 5 prime UTR variant (1).
Genome position (GRCh38, 1-based): chr9:114,478,707, T>C on the plus strand (A>G on the coding strand, the complement: WHRN is on the minus strand). VCF-style: chr9-114478707-T-C. GRCh37 (hg19) VCF-style: chr9-117240987-T-C.
Other names: c.-467A>G (NM_001083885.3); c.683A>G, p.Tyr228Cys (NM_001173425.2); short protein forms Y228C.
Identifiers: ClinVar variation 2581794 (VCV002581794.1), dbSNP rs758627879, ClinGen allele CA5206218.
Genomic context (GRCh38, chr9:114,478,707, plus strand): 5'-GAGGGTGGGGAGATGCTGCGGCCCTGCGGGTCCACCCAGGTGTAGATGTGGTTGGTGACG[T>C]AGCCCCCAGGGATGCGCCCTGCTGAGTACACAGACAGCACCAGCTTCTTGGAGCCCTTCA-3'
Protein context (NP_056219.3, residues 218-238): VYSAGRIPGG[Tyr228Cys]VTNHIYTWVD